The following is an entry in ClinVar:

ClinVar aggregate classification (germline): Likely benign. Review status: criteria provided, multiple submitters, no conflicts (2 of 4 stars). 3 submissions from 3 submitters: Likely benign (3). Last evaluated 2024-03-21.

Conditions:
Hereditary cancer-predisposing syndrome. Also called: Hereditary Cancer Syndrome; Hereditary neoplastic syndrome; Tumor predisposition; Neoplastic Syndromes, Hereditary. Identifiers: Orphanet 140162, MedGen C0027672, MeSH D009386, MONDO:0015356.
Hereditary breast ovarian cancer syndrome. Also called: Hereditary breast and/or ovarian cancer syndrome; Hereditary breast and ovarian cancer syndrome; Hereditary breast and ovarian cancer syndrome (HBOC); Hereditary breast and ovarian cancer; Breast and ovarian cancer; BRCA1- and BRCA2-Associated Hereditary Breast and Ovarian Cancer. Identifiers: Orphanet 145, MedGen C0677776, MeSH D061325, MONDO:0003582. Disease mechanism: loss of function.
Breast-ovarian cancer, familial, susceptibility to, 2 (BROVCA2). Also called: BRCA2 Hereditary Breast and Ovarian Cancer. Identifiers: Orphanet 145, MedGen C2675520, MONDO:0012933, OMIM 612555. Disease mechanism: loss of function.

Allele frequency attached by ClinVar (database versions not stated): gnomAD exomes below 0.00001.
gnomAD v4.1: 1 of 1,613,498 alleles (0.000062%); highest among the groups gnomAD compares: African/African-American, 0.0013%; no homozygotes.

Submissions (3):

Ambry Genetics
Classification: Likely benign for Hereditary cancer-predisposing syndrome. Last evaluated: 2024-03-21. Review status: criteria provided, single submitter. Criteria: Ambry Variant Classification Scheme 2023. Collection method: clinical testing. Allele origin: germline.

All of Us Research Program, National Institutes of Health
Classification: Likely benign for Breast-ovarian cancer, familial, susceptibility to, 2. Last evaluated: 2023-04-28. Review status: criteria provided, single submitter. Criteria: ACMG Guidelines, 2015. Collection method: clinical testing. Allele origin: germline. Inheritance: Autosomal dominant inheritance. Observed: 1 variant allele, 1 heterozygote.
Comment: This study involves interpretation of variants in research participants for the purpose of population health screening. Participant phenotype was not available at the time of variant classification. Additional details can be found in publication PMID: 35346344, PMCID: PMC8962531

Labcorp Genetics (formerly Invitae), Labcorp
Classification: Likely benign for Hereditary breast ovarian cancer syndrome. Last evaluated: 2022-11-07. Review status: criteria provided, single submitter. Criteria: Invitae Variant Classification Sherloc (09022015). Collection method: clinical testing. Allele origin: germline.

NM_000059.4(BRCA2):c.3063A>G (p.Glu1021=)

Gene: BRCA2 (BRCA2 DNA repair associated; plus strand). Cytogenetic location: 13q13.1.
Variant type: single nucleotide variant.
Coding change: c.3063A>G on transcript NM_000059.4 (MANE Select); coding-DNA position 3063, A replaced by G.
Protein change: p.Glu1021=; no amino-acid change (glutamic acid 1021 retained).
Molecular consequence: synonymous variant. On other transcripts: non-coding transcript variant (1), intron variant (2).
Genome position (GRCh38, 1-based): chr13:32,337,418, A>G. VCF-style: chr13-32337418-A-G. GRCh37 (hg19) VCF-style: chr13-32911555-A-G.
Other names: c.3063A>G, p.Glu1021= (NM_001406719.1, NM_001406720.1); c.1909+4031A>G (NM_001406721.1); c.424+6388A>G (NM_001406722.1).
Identifiers: ClinVar variation 2775818 (VCV002775818.5), dbSNP rs2137492749, ClinGen allele CA483437488.